The following is an entry in ClinVar:

ClinVar aggregate classification (germline): Uncertain significance. Review status: criteria provided, multiple submitters, no conflicts (2 of 4 stars). 5 submissions from 5 submitters: Uncertain significance (5). Last evaluated 2025-12-15.

Conditions:
DNAAF5-related disorder. Also called: DNAAF5-related condition.
Primary ciliary dyskinesia. Also called: Ciliary dyskinesia. Identifiers: Orphanet 244, MedGen C0008780, MONDO:0016575, HP:0012265.
Primary ciliary dyskinesia 18. Also called: CILIARY DYSKINESIA, PRIMARY, 18, WITH OR WITHOUT SITUS INVERSUS. Identifiers: Orphanet 244, MedGen C3543825, MONDO:0013940, OMIM 614874.

Allele frequency attached by ClinVar (database versions not stated): gnomAD 0.00001 and 0.00002; TOPMed 0.00001; 1000 Genomes Project 0.00020; 1000 Genomes Project 30x 0.00031.

Submissions (5):

PreventionGenetics, part of Exact Sciences
Classification: Uncertain significance for DNAAF5-related condition. Last evaluated: 2025-12-15. Review status: criteria provided, single submitter. Criteria: ACMG Guidelines, 2015. Collection method: clinical testing. Allele origin: germline.
Comment: The DNAAF5 c.892G>T variant is predicted to result in the amino acid substitution p.Val298Leu. To our knowledge, this variant has not been reported in the literature. This variant is reported in 0.0035% of alleles in individuals of European (Non-Finnish) descent in gnomAD. At this time, the clinical significance of this variant is uncertain due to the absence of conclusive functional and genetic evidence.

Revvity Omics, Revvity
Classification: Uncertain significance for Primary ciliary dyskinesia 18. Last evaluated: 2024-09-03. Review status: criteria provided, single submitter. Criteria: ACMG Guidelines, 2015. Collection method: clinical testing. Allele origin: germline.

Blueprint Genetics
Classification: Uncertain significance. Last evaluated: 2024-01-03. Review status: criteria provided, single submitter. Criteria: ACMG Guidelines, 2015. Collection method: clinical testing. Allele origin: germline.

Ambry Genetics
Classification: Uncertain significance for Primary ciliary dyskinesia. Last evaluated: 2024-01-02. Review status: criteria provided, single submitter. Criteria: Ambry Variant Classification Scheme 2023. Collection method: clinical testing. Allele origin: germline.

Labcorp Genetics (formerly Invitae), Labcorp
Classification: Uncertain significance for Primary ciliary dyskinesia. Last evaluated: 2022-03-09. Review status: criteria provided, single submitter. Criteria: Invitae Variant Classification Sherloc (09022015). Collection method: clinical testing. Allele origin: germline.
Comment: This sequence change replaces valine, which is neutral and non-polar, with leucine, which is neutral and non-polar, at codon 298 of the DNAAF5 protein (p.Val298Leu). This variant is present in population databases (rs181807581, gnomAD 0.003%). This variant has not been reported in the literature in individuals affected with DNAAF5-related conditions. ClinVar contains an entry for this variant (Variation ID: 834253). Algorithms developed to predict the effect of missense changes on protein structure and function output the following: SIFT: "Tolerated"; PolyPhen-2: "Benign"; Align-GVGD: "Class C0". The leucine amino acid residue is found in multiple mammalian species, which suggests that this missense change does not adversely affect protein function. In summary, the available evidence is currently insufficient to determine the role of this variant in disease. Therefore, it has been classified as a Variant of Uncertain Significance.

NM_017802.4(DNAAF5):c.892G>T (p.Val298Leu)

Gene: DNAAF5 (dynein axonemal assembly factor 5; plus strand). Cytogenetic location: 7p22.3.
Variant type: single nucleotide variant.
Coding change: c.892G>T on transcript NM_017802.4 (MANE Select); coding-DNA position 892, G replaced by T.
Protein change: p.Val298Leu; replaces valine 298 with leucine.
Molecular consequence: missense variant. On other transcripts: non-coding transcript variant (1).
Genome position (GRCh38, 1-based): chr7:740,930, G>T. VCF-style: chr7-740930-G-T. GRCh37 (hg19) VCF-style: chr7-780567-G-T.
Other names: short protein forms V298L.
Identifiers: ClinVar variation 834253 (VCV000834253.10), dbSNP rs181807581, ClinGen allele CA4110500.